The following is an entry in ClinVar:

ClinVar aggregate classification (germline): Benign. Review status: criteria provided, multiple submitters, no conflicts (2 of 4 stars). 2 submissions from 2 submitters: Benign (2). Last evaluated 2020-11-02.

Allele frequency attached by ClinVar (database versions not stated): gnomAD exomes 0.26067; TOPMed 0.36970; 1000 Genomes Project 0.37041; 1000 Genomes Project 30x 0.37320.
gnomAD v4.1: 113,738 of 380,340 alleles (30%); highest among the groups gnomAD compares: African/African-American, 59%; 19,951 homozygotes.

Submissions (2):

GeneDx
Classification: Benign. Last evaluated: 2020-11-02. Review status: criteria provided, single submitter. Criteria: GeneDx Variant Classification Process June 2021. Collection method: clinical testing. Allele origin: germline. Affected: yes.
Comment: This variant is associated with the following publications: (PMID: 32245889)

Breakthrough Genomics
Classification: Benign. Review status: criteria provided, single submitter. Criteria: ACMG Guidelines, 2015. Collection method: not provided. Allele origin: germline. Inheritance: Unknown mechanism. Affected: yes.

NC_000019.10:g.49677009C>G

Gene: PRMT1 (protein arginine methyltransferase 1; plus strand). Cytogenetic location: 19q13.33.
Variant type: single nucleotide variant.
Genome position: GRCh38 VCF-style: chr19-49677009-C-G. GRCh37 (hg19) VCF-style: chr19-50180266-C-G.
Identifiers: ClinVar variation 1239630 (VCV001239630.5), dbSNP rs975484, ClinGen allele CA14704534.